The following is an entry in ClinVar:

NM_003850.3(SUCLA2):c.943G>A (p.Asp315Asn)

Gene: SUCLA2 (succinate-CoA ligase ADP-forming subunit beta; minus strand). Cytogenetic location: 13q14.2.
Variant type: single nucleotide variant.
Coding change: c.943G>A on transcript NM_003850.3 (MANE Select); coding-DNA position 943, G replaced by A.
Protein change: p.Asp315Asn; replaces aspartic acid 315 with asparagine.
Molecular consequence: missense variant.
Genome position (GRCh38, 1-based): chr13:47,954,417, C>T on the plus strand (G>A on the coding strand, the complement: SUCLA2 is on the minus strand). VCF-style: chr13-47954417-C-T. GRCh37 (hg19) VCF-style: chr13-48528552-C-T.
Other names: short protein forms D315N.
Identifiers: ClinVar variation 448536 (VCV000448536.11), dbSNP rs772228438, ClinGen allele CA6977877.
Genomic context (GRCh38, chr13:47,954,417, plus strand): 5'-ACTTAGTGAATCCAATTCTAACATAAAAACACATGGTACCTAGGCAGCCTATATTTCCAT[C>T]GAGGCCAATGTAGTTGAGATTTGCCTTAGCAGCATCTTTGTCCCTTTCATCTTCCTGGGT-3'
Protein context (NP_003841.1, residues 305-325): AKANLNYIGL[Asp315Asn]GNIGCLVNGA

ClinVar aggregate classification (germline): Uncertain significance. Review status: criteria provided, multiple submitters, no conflicts (2 of 4 stars). 5 submissions from 5 submitters: Uncertain significance (4). 1 of the submissions does not count toward it. Last evaluated 2025-06-04.

Conditions:
Inborn genetic diseases. Identifiers: MedGen C0950123, MeSH D030342.
SUCLA2-related disorder. Also called: SUCLA2-related condition.
Mitochondrial DNA depletion syndrome, encephalomyopathic form with methylmalonic aciduria (MTDPS5). Also called: SUCLA2-Related Mitochondrial DNA Depletion Syndrome, Encephalomyopathic Form with Methylmalonic Aciduria; Mitochondrial encephalomyopathy aminoacidopathy; MITOCHONDRIAL DNA DEPLETION SYNDROME, ENCEPHALOMYOPATHIC FORM, WITH OR WITHOUT METHYLMALONIC ACIDURIA, AUTOSOMAL RECESSIVE, SUCLA2-RELATED; Mitochondrial DNA depletion syndrome 5 (encephalomyopathic with or without methylmalonic aciduria). Identifiers: Orphanet 1933, MedGen C5980207, MONDO:0012791, OMIM 612073.

Allele frequency attached by ClinVar (database versions not stated): gnomAD 0.00001 and 0.00002; gnomAD exomes 0.00002 and 0.00004; TOPMed 0.00002; ExAC 0.00004.
gnomAD v4.1: 55 of 1,613,870 alleles (0.0034%); highest among the groups gnomAD compares: Non-Finnish European, 0.0042%; no homozygotes.

Submissions (5):

Labcorp Genetics (formerly Invitae), Labcorp
Classification: Uncertain significance for Mitochondrial DNA depletion syndrome, encephalomyopathic form with methylmalonic aciduria. Last evaluated: 2025-06-04. Review status: criteria provided, single submitter. Criteria: Invitae Variant Classification Sherloc (09022015). Collection method: clinical testing. Allele origin: germline.
Comment: This sequence change replaces aspartic acid, which is acidic and polar, with asparagine, which is neutral and polar, at codon 315 of the SUCLA2 protein (p.Asp315Asn). This variant is present in population databases (rs772228438, gnomAD 0.006%). This variant has not been reported in the literature in individuals affected with SUCLA2-related conditions. ClinVar contains an entry for this variant (Variation ID: 448536). Invitae Evidence Modeling of protein sequence and biophysical properties (such as structural, functional, and spatial information, amino acid conservation, physicochemical variation, residue mobility, and thermodynamic stability) indicates that this missense variant is not expected to disrupt SUCLA2 protein function with a negative predictive value of 80%. In summary, the available evidence is currently insufficient to determine the role of this variant in disease. Therefore, it has been classified as a Variant of Uncertain Significance.

Ambry Genetics
Classification: Uncertain significance for Inborn genetic diseases. Last evaluated: 2024-08-27. Review status: criteria provided, single submitter. Criteria: Ambry Variant Classification Scheme 2023. Collection method: clinical testing. Allele origin: germline.

Revvity Omics, Revvity
Classification: Uncertain significance for Mitochondrial DNA depletion syndrome, encephalomyopathic form with methylmalonic aciduria. Last evaluated: 2022-12-20. Review status: criteria provided, single submitter. Criteria: ACMG Guidelines, 2015. Collection method: clinical testing. Allele origin: germline.

Athena Diagnostics
Classification: Uncertain significance. Last evaluated: 2018-08-23. Review status: criteria provided, single submitter. Criteria: Athena Diagnostics Criteria. Collection method: clinical testing. Allele origin: germline.

PreventionGenetics, part of Exact Sciences
Classification: Uncertain significance for SUCLA2-related condition. Last evaluated: 2023-11-10. Review status: no assertion criteria provided. Collection method: clinical testing. Allele origin: germline. Not counted in ClinVar's aggregate classification.
Comment: The SUCLA2 c.943G>A variant is predicted to result in the amino acid substitution p.Asp315Asn. To our knowledge, this variant has not been reported in the literature. This variant is reported in 0.0054% of alleles in individuals of European (Non-Finnish) descent in gnomAD. At this time, the clinical significance of this variant is uncertain due to the absence of conclusive functional and genetic evidence.